The following is an entry in ClinVar:

NM_001385079.1(PDE10A):c.2265T>G (p.Ile755Met)

Gene: PDE10A (phosphodiesterase 10A; minus strand). Cytogenetic location: 6q27.
Variant type: single nucleotide variant.
Coding change: c.2265T>G on transcript NM_001385079.1 (MANE Select); coding-DNA position 2265, T replaced by G.
Protein change: p.Ile755Met; replaces isoleucine 755 with methionine.
Molecular consequence: missense variant.
Genome position (GRCh38, 1-based): chr6:165,395,219, A>C on the plus strand (T>G on the coding strand, the complement: PDE10A is on the minus strand). VCF-style: chr6-165395219-A-C. GRCh37 (hg19) VCF-style: chr6-165808708-A-C.
Other names: c.1467T>G (NM_001130690.1); c.1467T>G, p.Ile489Met (NM_001130690.3); c.1437T>G, p.Ile479Met (NM_006661.4); short protein forms I489M, I479M, I755M.
Identifiers: ClinVar variation 1513872 (VCV001513872.9), dbSNP rs774540136, ClinGen allele CA4092158.

ClinVar aggregate classification (germline): Uncertain significance. Review status: criteria provided, multiple submitters, no conflicts (2 of 4 stars). 2 submissions from 2 submitters: Uncertain significance (2). Last evaluated 2024-10-15.

Conditions:
Inborn genetic diseases. Identifiers: MedGen C0950123, MeSH D030342.

Allele frequency attached by ClinVar (database versions not stated): ExAC 0.00001; gnomAD 0.00001; gnomAD exomes 0.00002.
gnomAD v4.1: 23 of 1,613,404 alleles (0.0014%); highest among the groups gnomAD compares: Admixed American, 0.0033%; no homozygotes.

Submissions (2):

Labcorp Genetics (formerly Invitae), Labcorp
Classification: Uncertain significance. Last evaluated: 2024-10-15. Review status: criteria provided, single submitter. Criteria: Invitae Variant Classification Sherloc (09022015). Collection method: clinical testing. Allele origin: germline.
Comment: This sequence change replaces isoleucine, which is neutral and non-polar, with methionine, which is neutral and non-polar, at codon 489 of the PDE10A protein (p.Ile489Met). This variant is present in population databases (rs774540136, gnomAD 0.006%). This variant has not been reported in the literature in individuals affected with PDE10A-related conditions. ClinVar contains an entry for this variant (Variation ID: 1513872). Invitae Evidence Modeling of protein sequence and biophysical properties (such as structural, functional, and spatial information, amino acid conservation, physicochemical variation, residue mobility, and thermodynamic stability) indicates that this missense variant is not expected to disrupt PDE10A protein function with a negative predictive value of 80%. In summary, the available evidence is currently insufficient to determine the role of this variant in disease. Therefore, it has been classified as a Variant of Uncertain Significance.

Ambry Genetics
Classification: Uncertain significance for Inborn genetic diseases. Last evaluated: 2021-04-20. Review status: criteria provided, single submitter. Criteria: Ambry Variant Classification Scheme 2023. Collection method: clinical testing. Allele origin: germline.